The following is an entry in ClinVar:

NM_033131.4(WNT3A):c.970C>T (p.Arg324Trp)

Gene: WNT3A (Wnt family member 3A; plus strand). Cytogenetic location: 1q42.13.
Variant type: single nucleotide variant.
Coding change: c.970C>T on transcript NM_033131.4 (MANE Select); coding-DNA position 970, C replaced by T.
Protein change: p.Arg324Trp; replaces arginine 324 with tryptophan.
Molecular consequence: missense variant.
Genome position (GRCh38, 1-based): chr1:228,059,376, C>T. VCF-style: chr1-228059376-C-T. GRCh37 (hg19) VCF-style: chr1-228247077-C-T.
Other names: c.970C>T (NM_033131.3); short protein forms R324W.
Identifiers: ClinVar variation 1523357 (VCV001523357.9), dbSNP rs199932668, ClinGen allele CA1429561.
Genomic context (GRCh38, chr1:228,059,376, plus strand): 5'-ATCGACGGCTGCGACCTGCTGTGCTGCGGCCGCGGCCACAACGCGCGAGCGGAGCGGCGC[C>T]GGGAGAAGTGCCGCTGCGTGTTCCACTGGTGCTGCTACGTCAGCTGCCAGGAGTGCACGC-3'
Protein context (NP_149122.1, residues 314-334): RGHNARAERR[Arg324Trp]EKCRCVFHWC

ClinVar aggregate classification (germline): Uncertain significance. Review status: criteria provided, multiple submitters, no conflicts (2 of 4 stars). 2 submissions from 2 submitters: Uncertain significance (2). Last evaluated 2025-08-21.

Allele frequency attached by ClinVar (database versions not stated): TOPMed 0.00022; 1000 Genomes Project 30x 0.00031; 1000 Genomes Project 0.00020.

Submissions (2):

Labcorp Genetics (formerly Invitae), Labcorp
Classification: Uncertain significance. Last evaluated: 2025-08-21. Review status: criteria provided, single submitter. Criteria: Invitae Variant Classification Sherloc (09022015). Collection method: clinical testing. Allele origin: germline.
Comment: This sequence change replaces arginine, which is basic and polar, with tryptophan, which is neutral and slightly polar, at codon 324 of the WNT3A protein (p.Arg324Trp). This variant is not present in population databases (gnomAD no frequency). This variant has not been reported in the literature in individuals affected with WNT3A-related conditions. ClinVar contains an entry for this variant (Variation ID: 1523357). Invitae Evidence Modeling of protein sequence and biophysical properties (such as structural, functional, and spatial information, amino acid conservation, physicochemical variation, residue mobility, and thermodynamic stability) indicates that this missense variant is not expected to disrupt WNT3A protein function with a negative predictive value of 80%. In summary, the available evidence is currently insufficient to determine the role of this variant in disease. Therefore, it has been classified as a Variant of Uncertain Significance.

Ambry Genetics
Classification: Uncertain significance. Last evaluated: 2023-09-12. Review status: criteria provided, single submitter. Criteria: Ambry Variant Classification Scheme 2023. Collection method: clinical testing. Allele origin: germline.